The following is an entry in ClinVar:

NM_138694.4(PKHD1):c.8143G>A (p.Val2715Met)

Gene: PKHD1 (PKHD1 ciliary IPT domain containing fibrocystin/polyductin; minus strand). Cytogenetic location: 6p12.2.
Variant type: single nucleotide variant.
Coding change: c.8143G>A on transcript NM_138694.4 (MANE Select); coding-DNA position 8143, G replaced by A.
Protein change: p.Val2715Met; replaces valine 2715 with methionine.
Molecular consequence: missense variant.
Genome position (GRCh38, 1-based): chr6:51,836,434, C>T on the plus strand (G>A on the coding strand, the complement: PKHD1 is on the minus strand). VCF-style: chr6-51836434-C-T. GRCh37 (hg19) VCF-style: chr6-51701232-C-T.
Other names: c.8143G>A, p.Val2715Met (NM_170724.3); short protein forms V2715M.
Identifiers: ClinVar variation 4795537 (VCV004795537.1).

ClinVar aggregate classification (germline): Uncertain significance (1 of 4 stars; one submission).

gnomAD v4.1: 2 of 1,613,140 alleles (0.00012%); highest among the groups gnomAD compares: East Asian, 0.0022%; no homozygotes.

Submission:

GeneDx
Classification: Uncertain significance. Last evaluated: 2025-08-11. Review status: criteria provided, single submitter. Criteria: GeneDx Variant Classification Process June 2021. Collection method: clinical testing. Allele origin: germline. Affected: yes.
Comment: Not observed at significant frequency in large population cohorts (gnomAD); In silico analysis suggests that this missense variant does not alter protein structure/function; Has not been previously published as pathogenic or benign to our knowledge